The following is an entry in ClinVar:

ClinVar aggregate classification (germline): Uncertain significance (1 of 4 stars; one submission).

Conditions:
Cockayne syndrome. Identifiers: Orphanet 191, MedGen C0009207, MONDO:0016006.
Fanconi anemia complementation group Q. Identifiers: Orphanet 84, MedGen C3808988, MONDO:0014108, OMIM 615272.
Xeroderma pigmentosum, group F (XPF). Also called: ERCC4-Related Xeroderma Pigmentosum; XERODERMA PIGMENTOSUM, TYPE F; Xeroderma pigmentosum, type 6; XERODERMA PIGMENTOSUM, COMPLEMENTATION GROUP F; XERODERMA PIGMENTOSUM VI; XP, GROUP F. Identifiers: MedGen C0268140, MONDO:0010215, OMIM 278760.

Allele frequency attached by ClinVar (database versions not stated): gnomAD exomes below 0.00001 and 0.00001; TOPMed 0.00001.
gnomAD v4.1: 10 of 1,614,126 alleles (0.00062%); highest among the groups gnomAD compares: Non-Finnish European, 0.00085%; no homozygotes.

Submission:

Labcorp Genetics (formerly Invitae), Labcorp
Classification: Uncertain significance for Fanconi anemia complementation group Q; Xeroderma pigmentosum, group F; Cockayne syndrome. Last evaluated: 2023-05-24. Review status: criteria provided, single submitter. Criteria: Invitae Variant Classification Sherloc (09022015). Collection method: clinical testing. Allele origin: germline.
Comment: This sequence change replaces arginine, which is basic and polar, with cysteine, which is neutral and slightly polar, at codon 153 of the ERCC4 protein (p.Arg153Cys). This variant is present in population databases (no rsID available, gnomAD 0.002%). This variant has not been reported in the literature in individuals affected with ERCC4-related conditions. ClinVar contains an entry for this variant (Variation ID: 1411215). Advanced modeling of protein sequence and biophysical properties (such as structural, functional, and spatial information, amino acid conservation, physicochemical variation, residue mobility, and thermodynamic stability) performed at Invitae indicates that this missense variant is expected to disrupt ERCC4 protein function. In summary, the available evidence is currently insufficient to determine the role of this variant in disease. Therefore, it has been classified as a Variant of Uncertain Significance.

NM_005236.3(ERCC4):c.457C>T (p.Arg153Cys)

Gene: ERCC4 (ERCC excision repair 4, endonuclease catalytic subunit; plus strand). Cytogenetic location: 16p13.12.
Variant type: single nucleotide variant.
Coding change: c.457C>T on transcript NM_005236.3 (MANE Select); coding-DNA position 457, C replaced by T.
Protein change: p.Arg153Cys; replaces arginine 153 with cysteine.
Molecular consequence: missense variant.
Genome position (GRCh38, 1-based): chr16:13,926,629, C>T. VCF-style: chr16-13926629-C-T. GRCh37 (hg19) VCF-style: chr16-14020486-C-T.
Other names: short protein forms R153C.
Identifiers: ClinVar variation 1411215 (VCV001411215.8), dbSNP rs1307031587, ClinGen allele CA394819798.